The following is an entry in ClinVar:

ClinVar aggregate classification (germline): Uncertain significance. Review status: criteria provided, multiple submitters, no conflicts (2 of 4 stars). 3 submissions from 3 submitters: Uncertain significance (3). Last evaluated 2023-12-07.

Conditions:
UDPglucose-4-epimerase deficiency. Also called: UDP-GALACTOSE-4-EPIMERASE DEFICIENCY; Galactose epimerase deficiency; UDPglucose 4-Epimerase Deficiency Disease; Epimerase Deficiency Galactosemia; GALACTOSEMIA III; GALE DEFICIENCY. Identifiers: Orphanet 352, Orphanet 79238, MedGen C0751161, MONDO:0009257, OMIM 230350.

Allele frequency attached by ClinVar (database versions not stated): gnomAD exomes below 0.00001 and 0.00001; ExAC 0.00001; gnomAD 0.00002; TOPMed 0.00005.
gnomAD v4.1: 15 of 1,613,674 alleles (0.00093%); highest among the groups gnomAD compares: Admixed American, 0.0033%; no homozygotes.

Submissions (3):

Women's Health and Genetics/Laboratory Corporation of America, LabCorp
Classification: Uncertain significance. Last evaluated: 2023-12-07. Review status: criteria provided, single submitter. Criteria: LabCorp Variant Classification Summary - May 2015. Collection method: clinical testing. Allele origin: germline.
Comment: Variant summary: GALE c.878C>T (p.Pro293Leu) results in a non-conservative amino acid change in the encoded protein sequence. Four of five in-silico tools predict a damaging effect of the variant on protein function. The variant allele was found at a frequency of 9.3e-06 in 1,606,680 control chromosomes (i.e. found in 15 carriers) in the gnomAD database, v4.0 dataset. This frequency is not higher than the estimated maximum expected for a pathogenic variant in GALE causing UDPglucose-4-Epimerase Deficiency (0.0011), allowing no conclusion about variant significance. c.878C>T has been reported in the literature in at least one individual affected with UDPglucose-4-Epimerase Deficiency (Openo_2006). These report(s) do not provide unequivocal conclusions about association of the variant with UDPglucose-4-Epimerase Deficiency. At least one publication reports experimental evidence evaluating an impact on protein function: a yeast complementation assay using GAL10 (a yeast homolog of GALE) deficient cells demonstrated that the variant protein could rescue cell growth in a galactose enriched medium similar to levels seen in those rescued with wild-type (Chhay_2006). Two other submitters have cited clinical-significance assessments for this variant to ClinVar after 2014. All submitters classified the variant as uncertain significance. Based on the evidence outlined above, the variant was classified as uncertain significance.

Fulgent Genetics
Classification: Uncertain significance for UDPglucose-4-epimerase deficiency. Last evaluated: 2022-03-24. Review status: criteria provided, single submitter. Criteria: ACMG Guidelines, 2015. Collection method: clinical testing. Allele origin: unknown.

Labcorp Genetics (formerly Invitae), Labcorp
Classification: Uncertain significance for UDPglucose-4-epimerase deficiency. Last evaluated: 2022-01-14. Review status: criteria provided, single submitter. Criteria: Invitae Variant Classification Sherloc (09022015). Collection method: clinical testing. Allele origin: germline.
Comment: This sequence change replaces proline, which is neutral and non-polar, with leucine, which is neutral and non-polar, at codon 293 of the GALE protein (p.Pro293Leu). This variant is present in population databases (rs775072430, gnomAD 0.007%). This missense change has been observed in individual(s) with epimerase deficiency galactosemia (PMID: 16385452). ClinVar contains an entry for this variant (Variation ID: 861930). Algorithms developed to predict the effect of missense changes on protein structure and function (SIFT, PolyPhen-2, Align-GVGD) all suggest that this variant is likely to be tolerated. Experimental studies have shown that this missense change affects GALE function (PMID: 18188677, 19250319). In summary, the available evidence is currently insufficient to determine the role of this variant in disease. Therefore, it has been classified as a Variant of Uncertain Significance.

Literature cited by the submitters: PubMed 18188677 (cited by Women's Health and Genetics/Laboratory Corporation of America, LabCorp and Labcorp Genetics (formerly Invitae), Labcorp); PubMed 16385452 (cited by Women's Health and Genetics/Laboratory Corporation of America, LabCorp and Labcorp Genetics (formerly Invitae), Labcorp); PubMed 19250319 (cited by Labcorp Genetics (formerly Invitae), Labcorp).

NM_001008216.2(GALE):c.878C>T (p.Pro293Leu)

Gene: GALE (UDP-galactose-4-epimerase; minus strand). Cytogenetic location: 1p36.11.
Variant type: single nucleotide variant.
Coding change: c.878C>T on transcript NM_001008216.2 (MANE Select); coding-DNA position 878, C replaced by T.
Protein change: p.Pro293Leu; replaces proline 293 with leucine.
Molecular consequence: missense variant.
Genome position (GRCh38, 1-based): chr1:23,796,261, G>A on the plus strand (C>T on the coding strand, the complement: GALE is on the minus strand). VCF-style: chr1-23796261-G-A. GRCh37 (hg19) VCF-style: chr1-24122751-G-A.
Other names: c.878C>T, p.Pro293Leu (NM_000403.4, NM_001127621.2); short protein forms P293L.
Identifiers: ClinVar variation 861930 (VCV000861930.10), dbSNP rs775072430, ClinGen allele CA685447.